The following is an entry in ClinVar:

ClinVar aggregate classification (germline): Uncertain significance (1 of 4 stars; one submission).

Conditions:
Neuropathy, hereditary sensory and autonomic, type 2A (HSAN2A). Also called: WNK1-Related HSAN2 (HSAN2A); MORVAN DISEASE; NEUROPATHY, CONGENITAL SENSORY; NEUROPATHY, HEREDITARY SENSORY RADICULAR, AUTOSOMAL RECESSIVE; NEUROPATHY, HEREDITARY SENSORY, TYPE IIA; NEUROPATHY, PROGRESSIVE SENSORY, OF CHILDREN. Identifiers: Orphanet 970, MedGen C2752089, MONDO:0024309, OMIM 201300.
Generalized epilepsy with febrile seizures plus, type 7 (GEFSP7). Also called: GEFS+, TYPE 7. Identifiers: Orphanet 36387, MedGen C2751778, MONDO:0013470, OMIM 613863.

Allele frequency attached by ClinVar (database versions not stated): gnomAD exomes below 0.00001.
gnomAD v4.1: 2 of 1,591,718 alleles (0.00013%); highest among the groups gnomAD compares: Non-Finnish European, 0.00017%; no homozygotes.

Submission:

Labcorp Genetics (formerly Invitae), Labcorp
Classification: Uncertain significance for Neuropathy, hereditary sensory and autonomic, type 2A; Generalized epilepsy with febrile seizures plus, type 7. Last evaluated: 2024-08-19. Review status: criteria provided, single submitter. Criteria: Invitae Variant Classification Sherloc (09022015). Collection method: clinical testing. Allele origin: germline.
Comment: This sequence change replaces serine, which is neutral and polar, with cysteine, which is neutral and slightly polar, at codon 119 of the SCN9A protein (p.Ser119Cys). This variant is not present in population databases (gnomAD no frequency). This variant has not been reported in the literature in individuals affected with SCN9A-related conditions. ClinVar contains an entry for this variant (Variation ID: 648664). Invitae Evidence Modeling of protein sequence and biophysical properties (such as structural, functional, and spatial information, amino acid conservation, physicochemical variation, residue mobility, and thermodynamic stability) has been performed for this missense variant. However, the output from this modeling did not meet the statistical confidence thresholds required to predict the impact of this variant on SCN9A protein function. In summary, the available evidence is currently insufficient to determine the role of this variant in disease. Therefore, it has been classified as a Variant of Uncertain Significance.

NM_001365536.1(SCN9A):c.356C>G (p.Ser119Cys)

Gene: SCN9A (sodium voltage-gated channel alpha subunit 9; minus strand). Cytogenetic location: 2q24.3.
Variant type: single nucleotide variant.
Coding change: c.356C>G on transcript NM_001365536.1 (MANE Select); coding-DNA position 356, C replaced by G.
Protein change: p.Ser119Cys; replaces serine 119 with cysteine.
Molecular consequence: missense variant.
Genome position (GRCh38, 1-based): chr2:166,306,977, G>C on the plus strand (C>G on the coding strand, the complement: SCN9A is on the minus strand). VCF-style: chr2-166306977-G-C. GRCh37 (hg19) VCF-style: chr2-167163487-G-C.
Other names: c.356C>G, p.Ser119Cys (NM_002977.4); short protein forms S119C.
Identifiers: ClinVar variation 648664 (VCV000648664.9), dbSNP rs1574907229, ClinGen allele CA349095550.